The following is an entry in ClinVar:

ClinVar aggregate classification (germline): Uncertain significance (1 of 4 stars; one submission).

Allele frequency attached by ClinVar (database versions not stated): gnomAD 0.00004; gnomAD exomes 0.00005; ExAC 0.00006; TOPMed 0.00002; ESP Exome Variant Server 0.00015.
gnomAD v4.1: 85 of 1,613,696 alleles (0.0053%); highest among the groups gnomAD compares: Non-Finnish European, 0.0063%; no homozygotes.

Submission:

Labcorp Genetics (formerly Invitae), Labcorp
Classification: Uncertain significance. Last evaluated: 2025-11-05. Review status: criteria provided, single submitter. Criteria: Invitae Variant Classification Sherloc (09022015). Collection method: clinical testing. Allele origin: germline.
Comment: This sequence change falls in intron 13 of the ANXA11 gene. It does not directly change the encoded amino acid sequence of the ANXA11 protein. It affects a nucleotide within the consensus splice site. The frequency data for this variant in the population databases is considered unreliable, as metrics indicate poor data quality at this position in the gnomAD database. This variant has not been reported in the literature in individuals affected with ANXA11-related conditions. ClinVar contains an entry for this variant (Variation ID: 2989521). Variants that disrupt the consensus splice site are a relatively common cause of aberrant splicing (PMID: 17576681, 9536098). Algorithms developed to predict the effect of sequence changes on RNA splicing suggest that this variant may disrupt the consensus splice site. In summary, the available evidence is currently insufficient to determine the role of this variant in disease. Therefore, it has been classified as a Variant of Uncertain Significance.

Literature cited by the submitters: PubMed 17576681; PubMed 9536098.

NM_145868.2(ANXA11):c.1335+6T>C

Gene: ANXA11 (annexin A11; minus strand). Cytogenetic location: 10q22.3.
Variant type: single nucleotide variant.
Coding change: c.1335+6T>C on transcript NM_145868.2 (MANE Select); 6 bases into the intron after coding-DNA position 1335, T replaced by C.
Molecular consequence: intron variant.
Genome position (GRCh38, 1-based): chr10:80,157,961, A>G on the plus strand (T>C on the coding strand, the complement: ANXA11 is on the minus strand). VCF-style: chr10-80157961-A-G. GRCh37 (hg19) VCF-style: chr10-81917717-A-G.
Other names: c.1335+6T>C (NM_001278407.2, NM_001157.3, NM_145869.2 and 1 more transcripts); c.1236+6T>C (NM_001278409.2).
Identifiers: ClinVar variation 2989521 (VCV002989521.3), dbSNP rs371405651, ClinGen allele CA5575809.